The following is an entry in ClinVar:

NM_016474.5(CCDC174):c.365G>A (p.Arg122His)

Gene: CCDC174 (coiled-coil domain containing 174; plus strand). Cytogenetic location: 3p25.1.
Variant type: single nucleotide variant.
Coding change: c.365G>A on transcript NM_016474.5 (MANE Select); coding-DNA position 365, G replaced by A.
Protein change: p.Arg122His; replaces arginine 122 with histidine.
Molecular consequence: missense variant. On other transcripts: non-coding transcript variant (1).
Genome position (GRCh38, 1-based): chr3:14,661,587, G>A. VCF-style: chr3-14661587-G-A. GRCh37 (hg19) VCF-style: chr3-14703094-G-A.
Other names: short protein forms R122H.
Identifiers: ClinVar variation 790261 (VCV000790261.7), dbSNP rs142816619, ClinGen allele CA2270033.
Genomic context (GRCh38, chr3:14,661,587, plus strand): 5'-TAGATGAAGAAGTAGAGGATATGTACCTTGTGGATTTCACACAGAAGATCATAGACAAGC[G>A]CAAAGAAATGGAGGCATCTGGTGCCCATAGAGATTCTCAAAAGGCAGGAGAAAGGGACGA-3'
Protein context (NP_057558.3, residues 112-132): VDFTQKIIDK[Arg122His]KEMEASGAHR

ClinVar aggregate classification (germline): Benign. Review status: criteria provided, multiple submitters, no conflicts (2 of 4 stars). 3 submissions from 3 submitters: Benign (2). 1 of the submissions does not count toward it. Last evaluated 2019-12-31.

Conditions:
CCDC174-related disorder. Also called: CCDC174-related condition.

Allele frequency attached by ClinVar (database versions not stated): gnomAD 0.00328 and 0.00390; ESP Exome Variant Server 0.00338; TOPMed 0.00361; ExAC 0.00550; 1000 Genomes Project 30x 0.00593; 1000 Genomes Project 0.00659.
gnomAD v4.1: 7,831 of 1,614,108 alleles (0.49%); highest among the groups gnomAD compares: South Asian, 1.6%; 45 homozygotes.

Submissions (3):

Labcorp Genetics (formerly Invitae), Labcorp
Classification: Benign. Last evaluated: 2019-12-31. Review status: criteria provided, single submitter. Criteria: Invitae Variant Classification Sherloc (09022015). Collection method: clinical testing. Allele origin: germline.

Breakthrough Genomics
Classification: Benign. Review status: criteria provided, single submitter. Criteria: ACMG Guidelines, 2015. Collection method: not provided. Allele origin: germline. Inheritance: Autosomal recessive inheritance. Affected: yes.

PreventionGenetics, part of Exact Sciences
Classification: Likely benign for CCDC174-related condition. Last evaluated: 2020-01-20. Review status: no assertion criteria provided. Collection method: clinical testing. Allele origin: germline. Not counted in ClinVar's aggregate classification.
Comment: This variant is classified as likely benign based on ACMG/AMP sequence variant interpretation guidelines (Richards et al. 2015 PMID: 25741868, with internal and published modifications).